The following is an entry in ClinVar:

NM_001032283.3(TMPO):c.565+1499A>G

Gene: TMPO (thymopoietin; plus strand). Cytogenetic location: 12q23.1.
Variant type: single nucleotide variant.
Coding change: c.565+1499A>G on transcript NM_001032283.3 (MANE Select); 1499 bases into the intron after coding-DNA position 565, A replaced by G.
Molecular consequence: intron variant. On other transcripts: synonymous variant (1).
Genome position (GRCh38, 1-based): chr12:98,533,337, A>G. VCF-style: chr12-98533337-A-G. GRCh37 (hg19) VCF-style: chr12-98927115-A-G.
Other names: c.1080A>G, p.Leu360= (NM_003276.2); c.565+1499A>G (NM_001307975.2, NM_001032284.3).
Identifiers: ClinVar variation 518019 (VCV000518019.5), dbSNP rs776923796, ClinGen allele CA6732356.

ClinVar aggregate classification (germline): Likely benign. Review status: criteria provided, multiple submitters, no conflicts (2 of 4 stars). 3 submissions from 3 submitters: Likely benign (3). Last evaluated 2023-12-10.

Conditions:
Loeys-Dietz syndrome 2 (LDS2). Also called: TGFBR2-Related Loeys-Dietz Syndrome; AORTIC ANEURYSM, FAMILIAL THORACIC 3; MARFAN SYNDROME, TYPE II; Marfan syndrome, type 2 (formerly); Marfan Syndrome type 2; Marfan like connective tissue disorder. Identifiers: Orphanet 284973, Orphanet 558, MedGen C2674574, MONDO:0012427, OMIM 610168.

Allele frequency attached by ClinVar (database versions not stated): TOPMed below 0.00001; ExAC 0.00001; gnomAD exomes 0.00001.
gnomAD v4.1: 13 of 1,614,238 alleles (0.00081%); highest among the groups gnomAD compares: Admixed American, 0.0017%; no homozygotes.

Submissions (3):

Women's Health and Genetics/Laboratory Corporation of America, LabCorp
Classification: Likely benign. Last evaluated: 2023-12-10. Review status: criteria provided, single submitter. Criteria: LabCorp Variant Classification Summary - May 2015. Collection method: clinical testing. Allele origin: germline.

Labcorp Genetics (formerly Invitae), Labcorp
Classification: Likely benign for Loeys-Dietz syndrome 2. Last evaluated: 2023-06-25. Review status: criteria provided, single submitter. Criteria: Invitae Variant Classification Sherloc (09022015). Collection method: clinical testing. Allele origin: germline.

GeneDx
Classification: Likely benign. Last evaluated: 2017-06-16. Review status: criteria provided, single submitter. Criteria: GeneDx Variant Classification (06012015). Collection method: clinical testing. Allele origin: germline. Affected: yes.
Comment: This variant is considered likely benign or benign based on one or more of the following criteria: it is a conservative change, it occurs at a poorly conserved position in the protein, it is predicted to be benign by multiple in silico algorithms, and/or has population frequency not consistent with disease.